The following is an entry in ClinVar:

NM_000903.3(NQO1):c.599C>T (p.Ala200Val)

Gene: NQO1 (NAD(P)H quinone dehydrogenase 1; minus strand). Cytogenetic location: 16q22.1.
Variant type: single nucleotide variant.
Coding change: c.599C>T on transcript NM_000903.3 (MANE Select); coding-DNA position 599, C replaced by T.
Protein change: p.Ala200Val; replaces alanine 200 with valine.
Molecular consequence: missense variant.
Genome position (GRCh38, 1-based): chr16:69,711,202, G>A on the plus strand (C>T on the coding strand, the complement: NQO1 is on the minus strand). VCF-style: chr16-69711202-G-A. GRCh37 (hg19) VCF-style: chr16-69745105-G-A.
Other names: c.497C>T, p.Ala166Val (NM_001025433.2); c.485C>T, p.Ala162Val (NM_001025434.2); c.383C>T, p.Ala128Val (NM_001286137.2); short protein forms A128V, A162V, A166V, A200V.
Identifiers: ClinVar variation 3232317 (VCV003232317.1), dbSNP rs2038035671, ClinGen allele CA396487793.

ClinVar aggregate classification (germline): Uncertain significance (1 of 4 stars; one submission).

Allele frequency attached by ClinVar (database versions not stated): gnomAD exomes 0.00001.
gnomAD v4.1: 6 of 1,614,136 alleles (0.00037%); highest among the groups gnomAD compares: East Asian, 0.013%; no homozygotes.

Submission:

Ambry Genetics
Classification: Uncertain significance. Last evaluated: 2023-12-23. Review status: criteria provided, single submitter. Criteria: Ambry Variant Classification Scheme 2023. Collection method: clinical testing. Allele origin: germline.
Comment: The p.A200V variant (also known as c.599C>T), located in coding exon 6 of the NQO1 gene, results from a C to T substitution at nucleotide position 599. The alanine at codon 200 is replaced by valine, an amino acid with similar properties. This amino acid position is conserved. In addition, this alteration is predicted to be tolerated by in silico analysis. Since supporting evidence is limited at this time, the clinical significance of this alteration remains unclear.